The following is an entry in ClinVar:

ClinVar aggregate classification (germline): Uncertain significance (1 of 4 stars; one submission).

Conditions:
Cardiovascular phenotype. Identifiers: MedGen CN230736.

gnomAD v4.1: 5 of 1,613,132 alleles (0.00031%); highest among the groups gnomAD compares: Admixed American, 0.005%; no homozygotes.

Submission:

Ambry Genetics
Classification: Uncertain significance for Cardiovascular phenotype. Last evaluated: 2026-08-29. Review status: criteria provided, single submitter. Criteria: Ambry Variant Classification Scheme 2023. Collection method: clinical testing. Allele origin: germline.
Comment: The p.N124S variant (also known as c.371A>G), located in coding exon 3 of the ABCC9 gene, results from an A to G substitution at nucleotide position 371. The asparagine at codon 124 is replaced by serine, an amino acid with highly similar properties. This amino acid position is conserved. In addition, the in silico prediction for this alteration is inconclusive. Based on the available evidence, the clinical significance of this variant remains unclear.

NM_020297.4(ABCC9):c.371A>G (p.Asn124Ser)

Gene: ABCC9 (ATP binding cassette subfamily C member 9; minus strand). Cytogenetic location: 12p12.1.
Variant type: single nucleotide variant.
Coding change: c.371A>G on transcript NM_020297.4 (MANE Select); coding-DNA position 371, A replaced by G.
Protein change: p.Asn124Ser; replaces asparagine 124 with serine.
Molecular consequence: missense variant. On other transcripts: 5 prime UTR variant (1).
Genome position (GRCh38, 1-based): chr12:21,925,977, T>C on the plus strand (A>G on the coding strand, the complement: ABCC9 is on the minus strand). VCF-style: chr12-21925977-T-C. GRCh37 (hg19) VCF-style: chr12-22078911-T-C.
Other names: c.371A>G, p.Asn124Ser (NM_001377273.1, NM_005691.4); c.-84A>G (NM_001377274.1); short protein forms N124S.
Identifiers: ClinVar variation 5024930 (VCV005024930.1).